The following is an entry in ClinVar:

ClinVar aggregate classification (germline): Uncertain significance (1 of 4 stars; one submission).

Conditions:
Renal coloboma syndrome (PAPRS). Also called: PAPILLORENAL SYNDROME; COLOBOMA OF OPTIC NERVE WITH RENAL DISEASE; OPTIC COLOBOMA, VESICOURETERAL REFLUX, AND RENAL ANOMALIES; OPTIC NERVE COLOBOMA WITH RENAL DISEASE; RENAL-COLOBOMA SYNDROME WITH MACULAR ABNORMALITIES; PAPILLORENAL SYNDROME WITH MILD OCULAR ABNORMALITIES. Identifiers: Orphanet 1475, MedGen C1852759, MONDO:0007352, OMIM 120330.

Submission:

Dasa
Classification: Uncertain significance for Renal coloboma syndrome. Last evaluated: 2025-11-28. Review status: criteria provided, single submitter. Criteria: DASA Assertion Criteria. Collection method: clinical testing. Allele origin: germline.
Comment: NM_000278.5(PAX2):c.411-5T>G is a splice-region variant predicted to affect normal RNA splicing. This variant is absent from population databases. Computational prediction algorithms are consistent with a deleterious effect. The currently available literature and clinical evidence are not sufficient to establish a definitive association between this variant and the reported condition. Therefore, this variant is classified as a variant of uncertain significance.

NM_000278.5(PAX2):c.411-5T>G

Gene: PAX2 (paired box 2; plus strand). Cytogenetic location: 10q24.31.
Variant type: single nucleotide variant.
Coding change: c.411-5T>G on transcript NM_000278.5 (MANE Select); 5 bases into the intron before coding-DNA position 411, T replaced by G.
Molecular consequence: intron variant.
Genome position (GRCh38, 1-based): chr10:100,779,493, T>G. VCF-style: chr10-100779493-T-G. GRCh37 (hg19) VCF-style: chr10-102539250-T-G.
Other names: c.504-5T>G (NM_001304569.2); c.411-5T>G (NM_003987.5, NM_003990.5, NM_003988.5 and 1 more transcripts).
Identifiers: ClinVar variation 4882563 (VCV004882563.2).